The following is an entry in ClinVar:

NM_024740.2(ALG9):c.761G>A (p.Trp254Ter)

Gene: ALG9 (ALG9 alpha-1,2-mannosyltransferase; minus strand). Cytogenetic location: 11q23.1.
Variant type: single nucleotide variant.
Coding change: c.761G>A on transcript NM_024740.2 (MANE Select); coding-DNA position 761, G replaced by A.
Protein change: p.Trp254Ter; replaces tryptophan 254 with a stop codon.
Molecular consequence: nonsense. On other transcripts: non-coding transcript variant (1).
Genome position (GRCh38, 1-based): chr11:111,853,677, C>T on the plus strand (G>A on the coding strand, the complement: ALG9 is on the minus strand). VCF-style: chr11-111853677-C-T. GRCh37 (hg19) VCF-style: chr11-111724400-C-T.
Other names: c.761G>A, p.Trp254Ter (NM_001077690.1, NM_001352417.1, NM_001352418.1); c.248G>A, p.Trp83Ter (NM_001077691.2, NM_001077692.2, NM_001352409.1 and 11 more transcripts); c.173G>A, p.Trp58Ter (NM_001352422.2); short protein forms W254*, W58*, W83*.
Identifiers: ClinVar variation 3900614 (VCV003900614.1).

ClinVar aggregate classification (germline): Pathogenic (1 of 4 stars; one submission).

Conditions:
Autosomal dominant polycystic kidney disease. Identifiers: Orphanet 730, MedGen C0085413, MONDO:0004691.

Submission:

Mayo Translational Polycystic Kidney Disease Center, Mayo Clinic
Classification: Pathogenic for Autosomal dominant polycystic kidney disease. Last evaluated: 2025-05-28. Review status: criteria provided, single submitter. Criteria: ACMG Guidelines, 2015. Collection method: research. Allele origin: germline. Inheritance: Autosomal dominant inheritance. Affected: yes. Observed: 1 heterozygote.
Comment: The Trp254Ter variant is found in an individual with bilateral renal cysts (Jawaid, 2025). It is absent from large population databases (gnomAD v4), satisfying PM2 (moderate evidence), which supports pathogenicity due to the absence of the variant in population controls. This variant introduces a nonsense mutation, resulting in a premature stop codon that is predicted to cause a truncation of the protein, consistent with PVS1 (very strong evidence). The affected tryptophan at position 254 is highly conserved across species, supporting the importance of this region. Additionally, other pathogenic variants in the same gene, including different nonsense or missense changes at nearby residues, have been reported in patients with similar phenotypes, which supports PM5 (moderate evidence) (e.g., Schönauer et al., 2020; Besse et al., 2019). Based on the available evidence, this alteration is classified as pathogenic.

Literature cited by the submitters: PubMed 39899384.